The following is an entry in ClinVar:

ClinVar aggregate classification (germline): Uncertain significance. Review status: criteria provided, multiple submitters, no conflicts (2 of 4 stars). 2 submissions from 2 submitters: Uncertain significance (2). Last evaluated 2025-09-10.

Conditions:
Hypertrophic cardiomyopathy 1 (CMH1). Also called: Familial hypertrophic cardiomyopathy 1; MYH7-Related Familial Hypertrophic Cardiomyopathy. Identifiers: MedGen C3495498, MONDO:0008647, OMIM 192600.

Submissions (2):

Labcorp Genetics (formerly Invitae), Labcorp
Classification: Uncertain significance for Hypertrophic cardiomyopathy 1. Last evaluated: 2025-09-10. Review status: criteria provided, single submitter. Criteria: Invitae Variant Classification Sherloc (09022015). Collection method: clinical testing. Allele origin: germline.
Comment: This sequence change disrupts the translational stop signal of the MYLK2 mRNA. It is expected to disrupt the last 6 amino acid(s) of the MYLK2 protein and extend the protein by 6 additional amino acid residues. This variant is present in population databases (rs761732061, gnomAD 0.02%). This variant has not been reported in the literature in individuals affected with MYLK2-related conditions. ClinVar contains an entry for this variant (Variation ID: 2733493). Experimental studies and prediction algorithms are not available or were not evaluated, and the functional significance of this variant is currently unknown. In summary, the available evidence is currently insufficient to determine the role of this variant in disease. Therefore, it has been classified as a Variant of Uncertain Significance.

GeneDx
Classification: Uncertain significance. Last evaluated: 2024-06-11. Review status: criteria provided, single submitter. Criteria: GeneDx Variant Classification Process June 2021. Collection method: clinical testing. Allele origin: germline. Affected: yes.
Comment: Has not been previously published as pathogenic or benign to our knowledge; Not observed at significant frequency in large population cohorts (gnomAD); Frameshift variant predicted to result in abnormal protein length as the last 6 amino acids are replaced with 12 different amino acids in a gene for which loss-of-function is not a known mechanism of disease

NM_033118.4(MYLK2):c.1771_*12del (p.Leu591_Ter597del)

Gene: MYLK2 (myosin light chain kinase 2; plus strand). Cytogenetic location: 20q11.21.
Variant type: Deletion.
Coding change: c.1771_*12del on transcript NM_033118.4 (MANE Select); coding-DNA position 1771 through 12 bases downstream of the stop codon, 33 bases deleted.
Protein change: p.Leu591_Ter597del.
Molecular consequence: stop lost, inframe deletion.
Genome position (GRCh38, 1-based): chr20:31,833,777-31,833,809, 33 bases deleted; deleting any 33 consecutive bases within chr20:31,833,774-31,833,809 gives the same sequence; the c. name uses the placement nearest the transcript's 3' end. GRCh37 (hg19): chr20:30,421,580-30,421,612.
Identifiers: ClinVar variation 2733493 (VCV002733493.4), dbSNP rs761732061, ClinGen allele CA9803332.